The following is an entry in ClinVar:

ClinVar aggregate classification (germline): Uncertain significance (1 of 4 stars; one submission).

Allele frequency attached by ClinVar (database versions not stated): gnomAD exomes below 0.00001.
gnomAD v4.1: 1 of 1,514,008 alleles (0.000066%); highest among the groups gnomAD compares: Non-Finnish European, 0.000088%; no homozygotes.

Submission:

Labcorp Genetics (formerly Invitae), Labcorp
Classification: Uncertain significance. Last evaluated: 2023-11-04. Review status: criteria provided, single submitter. Criteria: Invitae Variant Classification Sherloc (09022015). Collection method: clinical testing. Allele origin: germline.
Comment: This sequence change replaces glutamic acid, which is acidic and polar, with lysine, which is basic and polar, at codon 143 of the LEMD3 protein (p.Glu143Lys). This variant is not present in population databases (gnomAD no frequency). This variant has not been reported in the literature in individuals affected with LEMD3-related conditions. Advanced modeling of protein sequence and biophysical properties (such as structural, functional, and spatial information, amino acid conservation, physicochemical variation, residue mobility, and thermodynamic stability) performed at Invitae indicates that this missense variant is expected to disrupt LEMD3 protein function with a positive predictive value of 80%. In summary, the available evidence is currently insufficient to determine the role of this variant in disease. Therefore, it has been classified as a Variant of Uncertain Significance.

NM_014319.5(LEMD3):c.427G>A (p.Glu143Lys)

Genes: LEMD3 (LEM domain containing 3; plus strand), LOC130008224 (ATAC-STARR-seq lymphoblastoid silent region 4630; plus strand). Cytogenetic location: 12q14.3.
Variant type: single nucleotide variant.
Coding change: c.427G>A on transcript NM_014319.5 (MANE Select); coding-DNA position 427, G replaced by A.
Protein change: p.Glu143Lys; replaces glutamic acid 143 with lysine.
Molecular consequence: missense variant.
Genome position (GRCh38, 1-based): chr12:65,170,023, G>A. VCF-style: chr12-65170023-G-A. GRCh37 (hg19) VCF-style: chr12-65563803-G-A.
Other names: c.427G>A, p.Glu143Lys (NM_001167614.2); short protein forms E143K.
Identifiers: ClinVar variation 2693216 (VCV002693216.3), dbSNP rs2498938478, ClinGen allele CA385673042.